The following is an entry in ClinVar:

NM_001354712.2(THRB):c.1304A>G (p.His435Arg)

Gene: THRB (thyroid hormone receptor beta; minus strand). Cytogenetic location: 3p24.2.
Variant type: single nucleotide variant.
Coding change: c.1304A>G on transcript NM_001354712.2 (MANE Select); coding-DNA position 1304, A replaced by G.
Protein change: p.His435Arg; replaces histidine 435 with arginine.
Molecular consequence: missense variant.
Genome position (GRCh38, 1-based): chr3:24,122,966, T>C on the plus strand (A>G on the coding strand, the complement: THRB is on the minus strand). VCF-style: chr3-24122966-T-C. GRCh37 (hg19) VCF-style: chr3-24164457-T-C.
Other names: c.1133A>G, p.His378Arg (NM_001374827.1); c.1211A>G, p.His404Arg (NM_001354714.2, NM_001354715.2); c.1304A>G, p.His435Arg (NM_001374822.1, NM_001374823.1, NM_001374824.1 and 11 more transcripts); short protein forms H378R, H404R, H435R.
Identifiers: ClinVar variation 2630860 (VCV002630860.2), dbSNP rs2471599684, ClinGen allele CA351886615.

ClinVar aggregate classification (germline): Pathogenic/Likely pathogenic. Review status: criteria provided, multiple submitters, no conflicts (2 of 4 stars). 2 submissions from 2 submitters: Pathogenic (1); Likely pathogenic (1). Last evaluated 2026-08-14.

Conditions:
THRB-related disorder. Also called: THRB-related condition.
Hyperthyroidism. Identifiers: MedGen C0020550, MONDO:0004425, HP:0000836.

Submissions (2):

Cambridge Genomics Laboratory, East Genomic Laboratory Hub, NHS Genomic Medicine Service
Classification: Pathogenic for Hyperthyroidism. Last evaluated: 2026-08-14. Review status: criteria provided, single submitter. Criteria: ACGS Best Practice Guidelines for Variant Classification in Rare Disease 2020. Collection method: clinical testing. Allele origin: germline. Affected: yes.
Comment: PS3_Supporting,PS4_Supporting,PM1_Supporting,PM2,PM5_Supporting,PP1_Strong,PP3,PP4

PreventionGenetics, part of Exact Sciences
Classification: Likely pathogenic for THRB-related condition. Last evaluated: 2023-09-05. Review status: criteria provided, single submitter. Criteria: ACMG Guidelines, 2015. Collection method: clinical testing. Allele origin: germline.
Comment: The THRB c.1304A>G variant is predicted to result in the amino acid substitution p.His435Arg. This variant has been reported to segregate with elevated thyroid hormone and non-suppressed thyroid stimulating hormone phenotypes in a large family study (Figure 1B, Table 2, Zaig et al 2018. PubMed ID: 30430796). Furthermore, other missense variants impacting the same amino acid residue (p.His435Asn, p.His435Tyr, p.His435Pro, p.His435Leu, p.His435Gln) have been reported in association with thyroid hormone resistance (Yu et al. 2018. PubMed ID: 29794730; Choi et al. 2018. PubMed ID: 30497070; Ho et al. 2014. PubMed ID: 24833079; Tsakaguchi et al. 1995. PubMed ID: 8530608). This variant has not been reported in a large population database, indicating this variant is rare. This variant is interpreted as likely pathogenic.